The following is an entry in ClinVar:

ClinVar aggregate classification (germline): Benign (1 of 4 stars; one submission).

Allele frequency attached by ClinVar (database versions not stated): gnomAD exomes 0.00032; ESP Exome Variant Server 0.00050; ExAC 0.00058; gnomAD 0.00100; 1000 Genomes Project 0.00140; 1000 Genomes Project 30x 0.00515.
gnomAD v4.1: 662 of 1,592,392 alleles (0.042%); highest among the groups gnomAD compares: East Asian, 0.43%; 26 homozygotes.

Submission:

CeGaT Center for Human Genetics Tuebingen
Classification: Benign. Last evaluated: 2023-12-01. Review status: criteria provided, single submitter. Criteria: CeGaT Center For Human Genetics Tuebingen Variant Classification Criteria Version 2. Collection method: clinical testing. Allele origin: germline. Affected: yes. Observed: 1 variant allele.
Comment: AHNAK2: BP4, BS1, BS2

NM_138420.4(AHNAK2):c.6535T>C (p.Ser2179Pro)

Gene: AHNAK2 (AHNAK nucleoprotein 2; minus strand). Cytogenetic location: 14q32.33.
Variant type: single nucleotide variant.
Coding change: c.6535T>C on transcript NM_138420.4 (MANE Select); coding-DNA position 6535, T replaced by C.
Protein change: p.Ser2179Pro; replaces serine 2179 with proline.
Molecular consequence: missense variant.
Genome position (GRCh38, 1-based): chr14:104,948,916, A>G on the plus strand (T>C on the coding strand, the complement: AHNAK2 is on the minus strand). VCF-style: chr14-104948916-A-G. GRCh37 (hg19) VCF-style: chr14-105415253-A-G.
Other names: c.6235T>C, p.Ser2079Pro (NM_001350929.2); short protein forms S2079P, S2179P.
Identifiers: ClinVar variation 3025384 (VCV003025384.22), dbSNP rs199542803, ClinGen allele CA7381079.